The following is an entry in ClinVar:

ClinVar aggregate classification (germline): Pathogenic (1 of 4 stars; one submission).

Conditions:
Intellectual developmental disorder, autosomal recessive 78 (MRT78). Identifiers: MedGen C5830269, MONDO:0859373, OMIM 620237.

gnomAD v4.1: 9 of 1,610,596 alleles (0.00056%); highest among the groups gnomAD compares: Non-Finnish European, 0.00068%; no homozygotes.

Submission:

Clinical Genetics Laboratory, Skane University Hospital Lund
Classification: Pathogenic for Intellectual developmental disorder, autosomal recessive 78. Last evaluated: 2026-02-13. Review status: criteria provided, single submitter. Criteria: ACMG Guidelines, 2015. Collection method: clinical testing. Allele origin: germline. Inheritance: Autosomal recessive inheritance. Affected: yes.
Comment: ACMG criteria used: PVS1, PM2 and PP1.

NM_018117.12(WDR11):c.949C>T (p.Arg317Ter)

Gene: WDR11 (WD repeat domain 11; plus strand). Cytogenetic location: 10q26.12.
Variant type: single nucleotide variant.
Coding change: c.949C>T on transcript NM_018117.12 (MANE Select); coding-DNA position 949, C replaced by T.
Protein change: p.Arg317Ter; replaces arginine 317 with a stop codon.
Molecular consequence: nonsense.
Genome position (GRCh38, 1-based): chr10:120,865,699, C>T. VCF-style: chr10-120865699-C-T. GRCh37 (hg19) VCF-style: chr10-122625211-C-T.
Other names: short protein forms R317*.
Identifiers: ClinVar variation 4759346 (VCV004759346.1).